The following is an entry in ClinVar:

NM_182931.3(KMT2E):c.3167C>A (p.Thr1056Asn)

Gene: KMT2E (lysine methyltransferase 2E (inactive); plus strand). Cytogenetic location: 7q22.3.
Variant type: single nucleotide variant.
Coding change: c.3167C>A on transcript NM_182931.3 (MANE Select); coding-DNA position 3167, C replaced by A.
Protein change: p.Thr1056Asn; replaces threonine 1056 with asparagine.
Molecular consequence: missense variant.
Genome position (GRCh38, 1-based): chr7:105,107,624, C>A. VCF-style: chr7-105107624-C-A. GRCh37 (hg19) VCF-style: chr7-104748071-C-A.
Other names: c.3167C>A, p.Thr1056Asn (NM_001410908.1, NM_018682.4); short protein forms T1056N.
Identifiers: ClinVar variation 2210928 (VCV002210928.5), dbSNP rs370224796, ClinGen allele CA4424422.

ClinVar aggregate classification (germline): Uncertain significance. Review status: criteria provided, multiple submitters, no conflicts (2 of 4 stars). 2 submissions from 2 submitters: Uncertain significance (2). Last evaluated 2024-03-12.

Conditions:
Inborn genetic diseases. Identifiers: MedGen C0950123, MeSH D030342.

Allele frequency attached by ClinVar (database versions not stated): ExAC 0.00002; TOPMed 0.00002; gnomAD 0.00003; ESP Exome Variant Server 0.00008.
gnomAD v4.1: 46 of 1,614,038 alleles (0.0028%); highest among the groups gnomAD compares: Non-Finnish European, 0.0036%; no homozygotes.

Submissions (2):

Ambry Genetics
Classification: Uncertain significance for Inborn genetic diseases. Last evaluated: 2024-03-12. Review status: criteria provided, single submitter. Criteria: Ambry Variant Classification Scheme 2023. Collection method: clinical testing. Allele origin: germline.

Labcorp Genetics (formerly Invitae), Labcorp
Classification: Uncertain significance. Last evaluated: 2023-10-14. Review status: criteria provided, single submitter. Criteria: Invitae Variant Classification Sherloc (09022015). Collection method: clinical testing. Allele origin: germline.
Comment: This sequence change replaces threonine, which is neutral and polar, with asparagine, which is neutral and polar, at codon 1056 of the KMT2E protein (p.Thr1056Asn). This variant is present in population databases (rs370224796, gnomAD 0.004%). This variant has not been reported in the literature in individuals affected with KMT2E-related conditions. ClinVar contains an entry for this variant (Variation ID: 2210928). Advanced modeling of protein sequence and biophysical properties (such as structural, functional, and spatial information, amino acid conservation, physicochemical variation, residue mobility, and thermodynamic stability) performed at Invitae indicates that this missense variant is not expected to disrupt KMT2E protein function. In summary, the available evidence is currently insufficient to determine the role of this variant in disease. Therefore, it has been classified as a Variant of Uncertain Significance.